The following is an entry in ClinVar:

NM_000085.5(CLCNKB):c.1325A>G (p.Glu442Gly)

Genes: CLCNKB (chloride voltage-gated channel Kb; plus strand), LOC106501713 (CLCNKB recombination region; plus strand). Cytogenetic location: 1p36.13.
Variant type: single nucleotide variant.
Coding change: c.1325A>G on transcript NM_000085.5 (MANE Select); coding-DNA position 1325, A replaced by G.
Protein change: p.Glu442Gly; replaces glutamic acid 442 with glycine.
Molecular consequence: missense variant.
Genome position (GRCh38, 1-based): chr1:16,051,737, A>G. VCF-style: chr1-16051737-A-G. GRCh37 (hg19) VCF-style: chr1-16378232-A-G.
Other names: c.818A>G, p.Glu273Gly (NM_001165945.2); short protein forms E442G, E273G.
Identifiers: ClinVar variation 804713 (VCV000804713.10), dbSNP rs1180658535, ClinGen allele CA338641371.
Genomic context (GRCh38, chr1:16,051,737, plus strand): 5'-CCTGGCTCCCCCTCACCCTAAGTCTGTGGCCAGGAGCTGCTATCGGGCGCCTCTTTGGGG[A>G]GACTCTCTCTTTTATCTTCCCTGAGGGCATCGTGGCTGGAGGGATCACCAATCCCATCAT-3'
Protein context (NP_000076.2, residues 432-452): YGAAIGRLFG[Glu442Gly]TLSFIFPEGI

ClinVar aggregate classification (germline): Pathogenic/Likely pathogenic. Review status: criteria provided, multiple submitters, no conflicts (2 of 4 stars). 5 submissions from 5 submitters: Pathogenic (4); Likely pathogenic (1). Last evaluated 2024-06-03.

Conditions:
Bartter syndrome. Identifiers: Orphanet 112, MedGen C0004775, MONDO:0015231.
Bartter disease type 4B. Also called: Bartter syndrome, type 4b, digenic; BARTTER SYNDROME, TYPE 4B; BARTTER SYNDROME, TYPE 4B, NEONATAL, WITH SENSORINEURAL DEAFNESS. Identifiers: Orphanet 112, MedGen C4310805, MONDO:0000909, OMIM 613090.
Bartter disease type 3. Also called: Bartter syndrome type 3. Identifiers: Orphanet 112, Orphanet 93605, MedGen C1846343, MONDO:0011822, OMIM 607364.

Allele frequency attached by ClinVar (database versions not stated): gnomAD exomes below 0.00001.

Submissions (5):

Fulgent Genetics
Classification: Pathogenic for Bartter disease type 3; Bartter disease type 4B. Last evaluated: 2024-06-03. Review status: criteria provided, single submitter. Criteria: ACMG Guidelines, 2015. Collection method: clinical testing. Allele origin: germline.

Women's Health and Genetics/Laboratory Corporation of America, LabCorp
Classification: Pathogenic for Bartter syndrome. Last evaluated: 2024-05-14. Review status: criteria provided, single submitter. Criteria: LabCorp Variant Classification Summary - May 2015. Collection method: clinical testing. Allele origin: germline.
Comment: Variant summary: CLCNKB c.1325A>G (p.Glu442Gly) results in a non-conservative amino acid change in the encoded protein sequence. Five of five in-silico tools predict a damaging effect of the variant on protein function. The variant allele was found at a frequency of 4e-06 in 251038 control chromosomes (gnomAD). c.1325A>G has been reported in the literature in individuals affected with Bartter Syndrome, Type 3 (e.g. Garca Castao_2013, Cheng_2017). These data indicate that the variant is likely to be associated with disease. At least one publication reports experimental evidence evaluating an impact on protein function, finding that the variant results in <10% of normal chloride current (Cheng_2017). The following publications have been ascertained in the context of this evaluation (PMID: 24058621, 28555925). ClinVar contains an entry for this variant (Variation ID: 804713). Based on the evidence outlined above, the variant was classified as pathogenic.

Labcorp Genetics (formerly Invitae), Labcorp
Classification: Pathogenic. Last evaluated: 2021-08-11. Review status: criteria provided, single submitter. Criteria: Invitae Variant Classification Sherloc (09022015). Collection method: clinical testing. Allele origin: germline.
Comment: For these reasons, this variant has been classified as Pathogenic. Studies have shown that this missense change alters CLCNKB gene expression (PMID: 28555925). Advanced modeling of protein sequence and biophysical properties (such as structural, functional, and spatial information, amino acid conservation, physicochemical variation, residue mobility, and thermodynamic stability) performed at Invitae indicates that this missense variant is expected to disrupt CLCNKB protein function. ClinVar contains an entry for this variant (Variation ID: 804713). This missense change has been observed in individuals with Bartter syndrome (PMID: 24058621). It has also been observed to segregate with disease in related individuals. This variant is not present in population databases (ExAC no frequency). This sequence change replaces glutamic acid with glycine at codon 442 of the CLCNKB protein (p.Glu442Gly). The glutamic acid residue is highly conserved and there is a moderate physicochemical difference between glutamic acid and glycine.

Department of Molecular and Human Genetics, Baylor College of Medicine
Classification: Pathogenic for Bartter disease type 3. Last evaluated: 2020-04-16. Review status: criteria provided, single submitter. Criteria: ACMG Guidelines, 2015. Collection method: clinical testing. Allele origin: inherited. Affected: yes. Observed: 1 heterozygote.

Athena Diagnostics
Classification: Likely pathogenic. Last evaluated: 2018-10-16. Review status: criteria provided, single submitter. Criteria: Athena Diagnostics Criteria. Collection method: clinical testing. Allele origin: germline.
Comment: The best available variant frequency is uninformative because there are too few occurrences in population data. Found in at least one symptomatic patient. Predicted to have a damaging effect on the protein. Inconclusive functional study. Occurs in three or more cases with a recessive pathogenic variant in the same gene.

Literature cited by the submitters: PubMed 28555925 (cited by 3 submitters); PubMed 24058621 (cited by 3 submitters); PubMed 32576985 (cited by Department of Molecular and Human Genetics, Baylor College of Medicine); PubMed 24830959 (cited by Athena Diagnostics); PubMed 25810436 (cited by Athena Diagnostics); PubMed 28288174 (cited by Athena Diagnostics).